The following is an entry in ClinVar:

NM_000254.3(MTR):c.1549A>G (p.Thr517Ala)

Gene: MTR (5-methyltetrahydrofolate-homocysteine methyltransferase; plus strand). Cytogenetic location: 1q43.
Variant type: single nucleotide variant.
Coding change: c.1549A>G on transcript NM_000254.3 (MANE Select); coding-DNA position 1549, A replaced by G.
Protein change: p.Thr517Ala; replaces threonine 517 with alanine.
Molecular consequence: missense variant.
Genome position (GRCh38, 1-based): chr1:236,850,377, A>G. VCF-style: chr1-236850377-A-G. GRCh37 (hg19) VCF-style: chr1-237013677-A-G.
Other names: c.1549A>G, p.Thr517Ala (NM_001291939.1, NM_001410942.1); c.328A>G, p.Thr110Ala (NM_001291940.2); short protein forms T110A, T517A.
Identifiers: ClinVar variation 1719634 (VCV001719634.5), dbSNP rs752846930, ClinGen allele CA345373852.

ClinVar aggregate classification (germline): Uncertain significance (1 of 4 stars; one submission).

Conditions:
Methylcobalamin deficiency type cblG (HMAG). Also called: Functional methionine synthase deficiency type cblG; HOMOCYSTINURIA-MEGALOBLASTIC ANEMIA, cblG TYPE; HOMOCYSTINURIA-MEGALOBLASTIC ANEMIA, cblG COMPLEMENTATION TYPE; HOMOCYSTINURIA-MEGALOBLASTIC ANEMIA DUE TO DEFECT IN COBALAMIN METABOLISM, cblG COMPLEMENTATION TYPE. Identifiers: Orphanet 2170, Orphanet 622, MedGen C1855128, MONDO:0009609, OMIM 250940.

Allele frequency attached by ClinVar (database versions not stated): TOPMed below 0.00001; gnomAD 0.00001.
gnomAD v4.1: 1 of 1,613,684 alleles (0.000062%); highest among the groups gnomAD compares: African/African-American, 0.0013%; no homozygotes.

Submission:

Labcorp Genetics (formerly Invitae), Labcorp
Classification: Uncertain significance for Methylcobalamin deficiency type cblG. Last evaluated: 2022-07-19. Review status: criteria provided, single submitter. Criteria: Invitae Variant Classification Sherloc (09022015). Collection method: clinical testing. Allele origin: germline.
Comment: In summary, the available evidence is currently insufficient to determine the role of this variant in disease. Therefore, it has been classified as a Variant of Uncertain Significance. Algorithms developed to predict the effect of missense changes on protein structure and function (SIFT, PolyPhen-2, Align-GVGD) all suggest that this variant is likely to be tolerated. This variant has not been reported in the literature in individuals affected with MTR-related conditions. This variant is not present in population databases (gnomAD no frequency). This sequence change replaces threonine, which is neutral and polar, with alanine, which is neutral and non-polar, at codon 517 of the MTR protein (p.Thr517Ala).